The following is an entry in ClinVar:

NM_000135.4(FANCA):c.627G>C (p.Trp209Cys)

Gene: FANCA (FA complementation group A; minus strand). Cytogenetic location: 16q24.3.
Variant type: single nucleotide variant.
Coding change: c.627G>C on transcript NM_000135.4 (MANE Select); coding-DNA position 627, G replaced by C.
Protein change: p.Trp209Cys; replaces tryptophan 209 with cysteine.
Molecular consequence: missense variant.
Genome position (GRCh38, 1-based): chr16:89,805,362, C>G on the plus strand (G>C on the coding strand, the complement: FANCA is on the minus strand). VCF-style: chr16-89805362-C-G. GRCh37 (hg19) VCF-style: chr16-89871770-C-G.
Other names: c.627G>C, p.Trp209Cys (NM_001018112.3, NM_001286167.3); c.531G>C, p.Trp177Cys (NM_001351830.2); c.627G>C (LRG_495t1); short protein forms W177C, W209C.
Identifiers: ClinVar variation 661287 (VCV000661287.9), dbSNP rs1018067067, ClinGen allele CA397478130.
Genomic context (GRCh38, chr16:89,805,362, plus strand): 5'-GTCAGCATGCTGGCAGGATGCTTCCATCTGTTCACAAAGGCAGCACAGATTCCTGAAGAG[C>G]CACGATCCCACAGCATGCATGTCGGGATGGCTGGAGACACACACAGAGGCAGACGTAAGG-3'
Protein context (NP_000126.2, residues 199-219): SHPDMHAVGS[Trp209Cys]LFRNLCCLCE

ClinVar aggregate classification (germline): Uncertain significance. Review status: criteria provided, multiple submitters, no conflicts (2 of 4 stars). 2 submissions from 2 submitters: Uncertain significance (2). Last evaluated 2025-08-02.

Conditions:
Inborn genetic diseases. Identifiers: MedGen C0950123, MeSH D030342.
Fanconi anemia (FA). Also called: Fanconi's anemia. Identifiers: Orphanet 84, MedGen C0015625, MeSH D005199, MONDO:0019391.

Allele frequency attached by ClinVar (database versions not stated): gnomAD exomes below 0.00001.
gnomAD v4.1: 2 of 1,614,028 alleles (0.00012%); highest among the groups gnomAD compares: South Asian, 0.0022%; no homozygotes.

Submissions (2):

Ambry Genetics
Classification: Uncertain significance for Inborn genetic diseases. Last evaluated: 2025-08-02. Review status: criteria provided, single submitter. Criteria: Ambry Variant Classification Scheme 2023. Collection method: clinical testing. Allele origin: germline.
Comment: The p.W209C variant (also known as c.627G>C), located in coding exon 7 of the FANCA gene, results from a G to C substitution at nucleotide position 627. The tryptophan at codon 209 is replaced by cysteine, an amino acid with highly dissimilar properties. This amino acid position is conserved. In addition, the in silico prediction for this alteration is inconclusive. Based on the available evidence, the clinical significance of this variant remains unclear.

Labcorp Genetics (formerly Invitae), Labcorp
Classification: Uncertain significance for Fanconi anemia. Last evaluated: 2020-03-04. Review status: criteria provided, single submitter. Criteria: Invitae Variant Classification Sherloc (09022015). Collection method: clinical testing. Allele origin: germline.
Comment: In summary, the available evidence is currently insufficient to determine the role of this variant in disease. Therefore, it has been classified as a Variant of Uncertain Significance. Algorithms developed to predict the effect of missense changes on protein structure and function are either unavailable or do not agree on the potential impact of this missense change (SIFT: "Deleterious"; PolyPhen-2: "Possibly Damaging"; Align-GVGD: "Class C0"). This variant has not been reported in the literature in individuals with FANCA-related disease. This variant is not present in population databases (ExAC no frequency). This sequence change replaces tryptophan with cysteine at codon 209 of the FANCA protein (p.Trp209Cys). The tryptophan residue is moderately conserved and there is a large physicochemical difference between tryptophan and cysteine.